The following is an entry in ClinVar:

NM_016292.3(TRAP1):c.1477G>A (p.Gly493Ser)

Genes: DNASE1 (deoxyribonuclease 1; plus strand), TRAP1 (TNF receptor associated protein 1; minus strand). Cytogenetic location: 16p13.3.
Variant type: single nucleotide variant.
Coding change: c.1477G>A on transcript NM_016292.3 (MANE Select); coding-DNA position 1477, G replaced by A.
Protein change: p.Gly493Ser; replaces glycine 493 with serine.
Molecular consequence: missense variant. On other transcripts: 3 prime UTR variant (1).
Genome position (GRCh38, 1-based): chr16:3,664,366, C>T on the plus strand (G>A on the coding strand, the complement: TRAP1 is on the minus strand). VCF-style: chr16-3664366-C-T. GRCh37 (hg19) VCF-style: chr16-3714367-C-T.
Other names: c.1318G>A, p.Gly440Ser (NM_001272049.2); c.*1742C>T (NM_001387140.1); short protein forms G440S, G493S.
Identifiers: ClinVar variation 3671173 (VCV003671173.2).

ClinVar aggregate classification (germline): Uncertain significance (1 of 4 stars; one submission).

gnomAD v4.1: 122 of 1,612,748 alleles (0.0076%); highest among the groups gnomAD compares: Admixed American, 0.028%; no homozygotes.

Submission:

Labcorp Genetics (formerly Invitae), Labcorp
Classification: Uncertain significance. Last evaluated: 2025-11-22. Review status: criteria provided, single submitter. Criteria: Invitae Variant Classification Sherloc (09022015). Collection method: clinical testing. Allele origin: germline.
Comment: This sequence change replaces glycine, which is neutral and non-polar, with serine, which is neutral and polar, at codon 493 of the TRAP1 protein (p.Gly493Ser). This variant is present in population databases (rs147135526, gnomAD 0.1%), and has an allele count higher than expected for a pathogenic variant. This variant has not been reported in the literature in individuals affected with TRAP1-related conditions. ClinVar contains an entry for this variant (Variation ID: 3671173). Invitae Evidence Modeling of protein sequence and biophysical properties (such as structural, functional, and spatial information, amino acid conservation, physicochemical variation, residue mobility, and thermodynamic stability) indicates that this missense variant is not expected to disrupt TRAP1 protein function with a negative predictive value of 80%. In summary, the available evidence is currently insufficient to determine the role of this variant in disease. Therefore, it has been classified as a Variant of Uncertain Significance.